The following is an entry in ClinVar:

NM_021971.4(GMPPB):c.215G>C (p.Gly72Ala)

Genes: GMPPB (GDP-mannose pyrophosphorylase B; minus strand), LOC129936764 (ATAC-STARR-seq lymphoblastoid active region 19874; plus strand). Cytogenetic location: 3p21.31.
Variant type: single nucleotide variant.
Coding change: c.215G>C on transcript NM_021971.4 (MANE Select); coding-DNA position 215, G replaced by C.
Protein change: p.Gly72Ala; replaces glycine 72 with alanine.
Molecular consequence: missense variant.
Genome position (GRCh38, 1-based): chr3:49,723,298, C>G on the plus strand (G>C on the coding strand, the complement: GMPPB is on the minus strand). VCF-style: chr3-49723298-C-G. GRCh37 (hg19) VCF-style: chr3-49760731-C-G.
Other names: c.215G>C, p.Gly72Ala (NM_013334.4); short protein forms G72A.
Identifiers: ClinVar variation 958806 (VCV000958806.8), dbSNP rs1245162935, ClinGen allele CA352830313.

ClinVar aggregate classification (germline): Uncertain significance. Review status: criteria provided, multiple submitters, no conflicts (2 of 4 stars). 2 submissions from 2 submitters: Uncertain significance (2). Last evaluated 2022-03-03.

Conditions:
Muscular dystrophy-dystroglycanopathy (congenital with brain and eye anomalies), type A14. Also called: WALKER-WARBURG SYNDROME OR MUSCLE-EYE-BRAIN DISEASE, GMPPB-RELATED; Congenital Muscular Dystrophy-Dystroglycanopathy with Brain and Eye Anomalies Type A 14; Congenital muscular dystrophy-dystroglycanopathy with brain and eye anomalies, type A14; Muscular dystrophy-dystroglycanopathy (congenital with brain and eye anomalies), type a, 14. Identifiers: Orphanet 588, MedGen C3809216, MONDO:0014140, OMIM 615350.
Muscular dystrophy-dystroglycanopathy (congenital with impaired intellectual development), type B, 14. Also called: Muscular dystrophy-dystroglycanopathy (congenital with intellectual disability), type B14; MUSCULAR DYSTROPHY, CONGENITAL, GMPPB-RELATED; Congenital muscular dystrophy-dystroglycanopathy with mental retardation, type B14. Identifiers: MedGen C3809221, MONDO:0014141, OMIM 615351.
Autosomal recessive limb-girdle muscular dystrophy type 2T. Also called: MUSCULAR DYSTROPHY-DYSTROGLYCANOPATHY, LIMB-GIRDLE, GMPPB-RELATED; Limb-girdle muscular dystrophy-dystroglycanopathy, type C14; MUSCULAR DYSTROPHY, LIMB-GIRDLE, TYPE 2T; Muscular dystrophy-dystroglycanopathy (limb-girdle), type c, 14. Identifiers: Orphanet 363623, MedGen C4518000, MONDO:0014142, OMIM 615352.

Allele frequency attached by ClinVar (database versions not stated): gnomAD 0.00001; TOPMed 0.00001.

Submissions (2):

Labcorp Genetics (formerly Invitae), Labcorp
Classification: Uncertain significance for Autosomal recessive limb-girdle muscular dystrophy type 2T; Muscular dystrophy-dystroglycanopathy (congenital with brain and eye anomalies), type A14; Muscular dystrophy-dystroglycanopathy (congenital with impaired intellectual development), type B, 14. Last evaluated: 2022-03-03. Review status: criteria provided, single submitter. Criteria: Invitae Variant Classification Sherloc (09022015). Collection method: clinical testing. Allele origin: germline.
Comment: In summary, the available evidence is currently insufficient to determine the role of this variant in disease. Therefore, it has been classified as a Variant of Uncertain Significance. Algorithms developed to predict the effect of missense changes on protein structure and function (SIFT, PolyPhen-2, Align-GVGD) all suggest that this variant is likely to be disruptive. ClinVar contains an entry for this variant (Variation ID: 958806). This variant has not been reported in the literature in individuals affected with GMPPB-related conditions. This variant is present in population databases (no rsID available, gnomAD 0.01%). This sequence change replaces glycine, which is neutral and non-polar, with alanine, which is neutral and non-polar, at codon 72 of the GMPPB protein (p.Gly72Ala).

GeneDx
Classification: Uncertain significance. Last evaluated: 2019-09-27. Review status: criteria provided, single submitter. Criteria: GeneDx Variant Classification Process June 2021. Collection method: clinical testing. Allele origin: germline. Affected: yes.
Comment: Not observed at a significant frequency in large population cohorts (Lek et al., 2016); The majority of missense variants in this gene are considered pathogenic (Stenson et al., 2014); In silico analysis, which includes protein predictors and evolutionary conservation, supports a deleterious effect; Has not been previously published as pathogenic or benign to our knowledge